The following is an entry in ClinVar:

NM_199420.4(POLQ):c.4049C>A (p.Ala1350Glu)

Gene: POLQ (DNA polymerase theta; minus strand). Cytogenetic location: 3q13.33.
Variant type: single nucleotide variant.
Coding change: c.4049C>A on transcript NM_199420.4 (MANE Select); coding-DNA position 4049, C replaced by A.
Protein change: p.Ala1350Glu; replaces alanine 1350 with glutamic acid.
Molecular consequence: missense variant.
Genome position (GRCh38, 1-based): chr3:121,488,882, G>T on the plus strand (C>A on the coding strand, the complement: POLQ is on the minus strand). VCF-style: chr3-121488882-G-T. GRCh37 (hg19) VCF-style: chr3-121207729-G-T.
Other names: short protein forms A1350E.
Identifiers: ClinVar variation 1737335 (VCV001737335.2), dbSNP rs2546786455, ClinGen allele CA354096353.

ClinVar aggregate classification (germline): Uncertain significance (1 of 4 stars; one submission).

Submission:

Ambry Genetics
Classification: Uncertain significance. Last evaluated: 2022-03-14. Review status: criteria provided, single submitter. Criteria: Ambry Variant Classification Scheme 2023. Collection method: clinical testing. Allele origin: germline.
Comment: The p.A1350E variant (also known as c.4049C>A), located in coding exon 16 of the POLQ gene, results from a C to A substitution at nucleotide position 4049. The alanine at codon 1350 is replaced by glutamic acid, an amino acid with dissimilar properties. This amino acid position is conserved. In addition, this alteration is predicted to be tolerated by in silico analysis. Since supporting evidence is limited at this time, the clinical significance of this alteration remains unclear.